The following is an entry in ClinVar:

NM_007294.4(BRCA1):c.4528A>C (p.Met1510Leu)

Gene: BRCA1 (BRCA1 DNA repair associated; minus strand). Cytogenetic location: 17q21.31.
Variant type: single nucleotide variant.
Coding change: c.4528A>C on transcript NM_007294.4 (MANE Select); coding-DNA position 4528, A replaced by C.
Protein change: p.Met1510Leu; replaces methionine 1510 with leucine.
Molecular consequence: missense variant. On other transcripts: intron variant (3).
Genome position (GRCh38, 1-based): chr17:43,074,478, T>G on the plus strand (A>C on the coding strand, the complement: BRCA1 is on the minus strand). VCF-style: chr17-43074478-T-G. GRCh37 (hg19) VCF-style: chr17-41226495-T-G.
Other names: c.4192A>C, p.Met1398Leu (NM_001407955.1, NM_001407950.1, NM_001407951.1 and 3 more transcripts); c.4189A>C, p.Met1397Leu (NM_001407956.1, NM_001407957.1, NM_001407958.1); c.4147A>C, p.Met1383Leu (NM_001407959.1); c.3640A>C, p.Met1214Leu (NM_001407966.1); c.4141A>C, p.Met1381Leu (NM_001407963.1); c.3637A>C, p.Met1213Leu (NM_001407967.1); c.4144A>C, p.Met1382Leu (NM_001407960.1, NM_001407962.1); c.4021A>C, p.Met1341Leu (NM_001407965.1); and 71 more; short protein forms M1506L, M1530L, M1532L, M294L, M318L, M360L, M364L, M367L.
Identifiers: ClinVar variation 2771704 (VCV002771704.3), dbSNP rs1253680250, ClinGen allele CA10592467.

ClinVar aggregate classification (germline): Uncertain significance (1 of 4 stars; one submission).

Conditions:
Hereditary breast ovarian cancer syndrome. Also called: Hereditary breast and ovarian cancer syndrome; Hereditary breast and ovarian cancer syndrome (HBOC); BRCA1- and BRCA2-Associated Hereditary Breast and Ovarian Cancer; Hereditary breast and ovarian cancer; Breast and ovarian cancer; Hereditary breast and/or ovarian cancer syndrome. Identifiers: Orphanet 145, MedGen C0677776, MeSH D061325, MONDO:0003582. Disease mechanism: loss of function.

Submission:

Labcorp Genetics (formerly Invitae), Labcorp
Classification: Uncertain significance for Hereditary breast ovarian cancer syndrome. Last evaluated: 2023-10-25. Review status: criteria provided, single submitter. Criteria: Invitae Variant Classification Sherloc (09022015). Collection method: clinical testing. Allele origin: germline.
Comment: This sequence change replaces methionine, which is neutral and non-polar, with leucine, which is neutral and non-polar, at codon 1510 of the BRCA1 protein (p.Met1510Leu). This variant is not present in population databases (gnomAD no frequency). This variant has not been reported in the literature in individuals affected with BRCA1-related conditions. Advanced modeling of protein sequence and biophysical properties (such as structural, functional, and spatial information, amino acid conservation, physicochemical variation, residue mobility, and thermodynamic stability) performed at Invitae indicates that this missense variant is not expected to disrupt BRCA1 protein function with a negative predictive value of 95%. In summary, the available evidence is currently insufficient to determine the role of this variant in disease. Therefore, it has been classified as a Variant of Uncertain Significance.